The following is an entry in ClinVar:

ClinVar aggregate classification (germline): Conflicting classifications of pathogenicity. Review status: criteria provided, conflicting classifications (1 of 4 stars). 5 submissions from 5 submitters: Uncertain significance (3); Likely benign (2). Last evaluated 2025-07-15.

Conditions:
GPI-related disorder. Also called: GPI-related condition.
Hemolytic anemia due to glucophosphate isomerase deficiency (CNSHA4). Also called: ANEMIA, CONGENITAL, NONSPHEROCYTIC HEMOLYTIC, 4. Identifiers: Orphanet 712, MedGen C0272064, MONDO:0013275, OMIM 613470.

Allele frequency attached by ClinVar (database versions not stated): ESP Exome Variant Server 0.00023; gnomAD 0.00023 and 0.00029; TOPMed 0.00032; ExAC 0.00043; 1000 Genomes Project 30x 0.00078; 1000 Genomes Project 0.00100.

Submissions (5):

Labcorp Genetics (formerly Invitae), Labcorp
Classification: Likely benign. Last evaluated: 2025-07-15. Review status: criteria provided, single submitter. Criteria: Invitae Variant Classification Sherloc (09022015). Collection method: clinical testing. Allele origin: germline.

PreventionGenetics, part of Exact Sciences
Classification: Likely benign for GPI-related condition. Last evaluated: 2025-06-04. Review status: criteria provided, single submitter. Criteria: ACMG Guidelines, 2015. Collection method: clinical testing. Allele origin: germline.
Comment: This variant is classified as likely benign based on ACMG/AMP sequence variant interpretation guidelines (Richards et al. 2015 PMID: 25741868, with internal and published modifications).

Revvity Omics, Revvity
Classification: Uncertain significance for Hemolytic anemia due to glucophosphate isomerase deficiency. Last evaluated: 2025-01-22. Review status: criteria provided, single submitter. Criteria: ACMG Guidelines, 2015. Collection method: clinical testing. Allele origin: germline.

Blueprint Genetics
Classification: Uncertain significance. Last evaluated: 2024-05-27. Review status: criteria provided, single submitter. Criteria: ACMG Guidelines, 2015. Collection method: clinical testing. Allele origin: germline.

ARUP Laboratories, Molecular Genetics and Genomics, ARUP Laboratories
Classification: Uncertain significance for Hemolytic anemia due to glucophosphate isomerase deficiency. Last evaluated: 2021-09-13. Review status: criteria provided, single submitter. Criteria: ARUP Molecular Germline Variant Investigation Process 2021. Collection method: clinical testing. Allele origin: germline.

NM_000175.5(GPI):c.317G>A (p.Arg106Gln)

Gene: GPI (glucose-6-phosphate isomerase; plus strand). Cytogenetic location: 19q13.11.
Variant type: single nucleotide variant.
Coding change: c.317G>A on transcript NM_000175.5 (MANE Select); coding-DNA position 317, G replaced by A.
Protein change: p.Arg106Gln; replaces arginine 106 with glutamine.
Molecular consequence: missense variant.
Genome position (GRCh38, 1-based): chr19:34,368,617, G>A. VCF-style: chr19-34368617-G-A. GRCh37 (hg19) VCF-style: chr19-34859522-G-A.
Other names: c.434G>A, p.Arg145Gln (NM_001184722.1, NM_001289789.1); c.317G>A, p.Arg106Gln (NM_001289790.3, NM_001329909.1, NM_001329910.1 and 1 more transcripts); c.317G>A (NM_000175.4); short protein forms R106Q, R145Q.
Identifiers: ClinVar variation 711604 (VCV000711604.18), dbSNP rs143827313, ClinGen allele CA9367001.